The following is an entry in ClinVar:

ClinVar aggregate classification (germline): Uncertain significance. Review status: criteria provided, multiple submitters, no conflicts (2 of 4 stars). 2 submissions from 2 submitters: Uncertain significance (2). Last evaluated 2025-01-16.

Conditions:
Inborn genetic diseases. Identifiers: MedGen C0950123, MeSH D030342.

Allele frequency attached by ClinVar (database versions not stated): gnomAD 0.00001; TOPMed 0.00001; ExAC 0.00002; gnomAD exomes 0.00003; ESP Exome Variant Server 0.00015.
gnomAD v4.1: 43 of 1,612,336 alleles (0.0027%); highest among the groups gnomAD compares: South Asian, 0.0055%; no homozygotes.

Submissions (2):

Ambry Genetics
Classification: Uncertain significance for Inborn genetic diseases. Last evaluated: 2025-01-16. Review status: criteria provided, single submitter. Criteria: Ambry Variant Classification Scheme 2023. Collection method: clinical testing. Allele origin: germline.

GeneDx
Classification: Uncertain significance. Last evaluated: 2023-03-17. Review status: criteria provided, single submitter. Criteria: GeneDx Variant Classification Process June 2021. Collection method: clinical testing. Allele origin: germline. Affected: yes.
Comment: In silico analysis supports that this missense variant has a deleterious effect on protein structure/function; Has not been previously published as pathogenic or benign to our knowledge

NM_004230.4(S1PR2):c.877C>T (p.Arg293Trp)

Gene: S1PR2 (sphingosine-1-phosphate receptor 2; minus strand). Cytogenetic location: 19p13.2.
Variant type: single nucleotide variant.
Coding change: c.877C>T on transcript NM_004230.4 (MANE Select); coding-DNA position 877, C replaced by T.
Protein change: p.Arg293Trp; replaces arginine 293 with tryptophan.
Molecular consequence: missense variant.
Genome position (GRCh38, 1-based): chr19:10,224,029, G>A on the plus strand (C>T on the coding strand, the complement: S1PR2 is on the minus strand). VCF-style: chr19-10224029-G-A. GRCh37 (hg19) VCF-style: chr19-10334705-G-A.
Other names: short protein forms R293W.
Identifiers: ClinVar variation 2388665 (VCV002388665.4), dbSNP rs370698200, ClinGen allele CA9189000.